The following is an entry in ClinVar:

NM_152328.5(ADSS1):c.193-4979A>G

Gene: ADSS1 (adenylosuccinate synthase 1; plus strand). Cytogenetic location: 14q32.33.
Variant type: single nucleotide variant.
Coding change: c.193-4979A>G on transcript NM_152328.5 (MANE Select); 4979 bases into the intron before coding-DNA position 193, A replaced by G.
Molecular consequence: intron variant. On other transcripts: 5 prime UTR variant (1), missense variant (1).
Genome position (GRCh38, 1-based): chr14:104,730,041, A>G. VCF-style: chr14-104730041-A-G. GRCh37 (hg19) VCF-style: chr14-105196378-A-G.
Other names: c.-579A>G (NM_001320424.1); c.149A>G, p.His50Arg (NM_199165.2); short protein forms H50R.
Identifiers: ClinVar variation 1681884 (VCV001681884.3), dbSNP rs557737974, ClinGen allele CA7373515.

ClinVar aggregate classification (germline): Uncertain significance (1 of 4 stars; one submission).

Allele frequency attached by ClinVar (database versions not stated): gnomAD 0.00001 and 0.00007; TOPMed 0.00003; gnomAD exomes 0.00010 and 0.00019; ExAC 0.00037; 1000 Genomes Project 30x 0.00078; 1000 Genomes Project 0.00100.
gnomAD v4.1: 155 of 1,577,726 alleles (0.0098%); highest among the groups gnomAD compares: South Asian, 0.16%; no homozygotes.

Submission:

Labcorp Genetics (formerly Invitae), Labcorp
Classification: Uncertain significance. Last evaluated: 2022-07-20. Review status: criteria provided, single submitter. Criteria: Invitae Variant Classification Sherloc (09022015). Collection method: clinical testing. Allele origin: germline.
Comment: This sequence change replaces histidine, which is basic and polar, with arginine, which is basic and polar, at codon 50 of the ADSSL1 protein (p.His50Arg). This variant is present in population databases (rs557737974, gnomAD 0.1%). This variant has not been reported in the literature in individuals affected with ADSSL1-related conditions. ClinVar contains an entry for this variant (Variation ID: 1681884). Experimental studies and prediction algorithms are not available or were not evaluated, and the functional significance of this variant is currently unknown. In summary, the available evidence is currently insufficient to determine the role of this variant in disease. Therefore, it has been classified as a Variant of Uncertain Significance.